The following is an entry in ClinVar:

ClinVar aggregate classification (germline): Likely benign. Review status: criteria provided, single submitter (1 of 4 stars). 2 submissions from 2 submitters: Likely benign (1). 1 of the submissions does not count toward it. Last evaluated 2025-12-01.

Conditions:
NEFL-related disorder. Also called: NEFL-related condition.

gnomAD v4.1: 1 of 1,606,572 alleles (0.000062%); highest among the groups gnomAD compares: Non-Finnish European, 0.000085%; no homozygotes.

Submissions (2):

CeGaT Center for Human Genetics Tuebingen
Classification: Likely benign. Last evaluated: 2025-12-01. Review status: criteria provided, single submitter. Criteria: CeGaT Center For Human Genetics Tuebingen Variant Classification Criteria Version 2. Collection method: clinical testing. Allele origin: germline. Affected: yes. Observed: 1 variant allele.
Comment: NEFL: BP4, BP7

PreventionGenetics, part of Exact Sciences
Classification: Likely benign for NEFL-related condition. Last evaluated: 2022-06-16. Review status: no assertion criteria provided. Collection method: clinical testing. Allele origin: germline. Not counted in ClinVar's aggregate classification.
Comment: This variant is classified as likely benign based on ACMG/AMP sequence variant interpretation guidelines (Richards et al. 2015 PMID: 25741868, with internal and published modifications).

NM_006158.5(NEFL):c.627C>T (p.Leu209=)

Gene: NEFL (neurofilament light chain; minus strand). Cytogenetic location: 8p21.2.
Variant type: single nucleotide variant.
Coding change: c.627C>T on transcript NM_006158.5 (MANE Select); coding-DNA position 627, C replaced by T.
Protein change: p.Leu209=; no amino-acid change (leucine 209 retained).
Molecular consequence: synonymous variant.
Genome position (GRCh38, 1-based): chr8:24,955,889, G>A on the plus strand (C>T on the coding strand, the complement: NEFL is on the minus strand). VCF-style: chr8-24955889-G-A. GRCh37 (hg19) VCF-style: chr8-24813403-G-A.
Identifiers: ClinVar variation 3053268 (VCV003053268.7), dbSNP rs564451527, ClinGen allele CA4681459.
Genomic context (GRCh38, chr8:24,955,889, plus strand): 5'-CTCTTCGTGCACTTTCTTCAGAAAAGAGATTTCGTCCATCAAGCTGTCGATGCGCTTCTC[G>A]AGCTCGGCGCGAGCGAGCGCCGCCTCGTCGGCGCCTTTGCGCGCTTCCATCAGCCGGCCC-3'
Protein context (NP_006149.2, residues 199-219): ADEAALARAE[Leu209=]EKRIDSLMDE